The following is an entry in ClinVar:

ClinVar aggregate classification (germline): Uncertain significance (1 of 4 stars; one submission).

Allele frequency attached by ClinVar (database versions not stated): gnomAD 0.00007; TOPMed 0.00008; ExAC 0.00013; ESP Exome Variant Server 0.00015; gnomAD exomes 0.00018.
gnomAD v4.1: 267 of 1,585,036 alleles (0.017%); highest among the groups gnomAD compares: Non-Finnish European, 0.022%; no homozygotes.

Submission:

Labcorp Genetics (formerly Invitae), Labcorp
Classification: Uncertain significance. Last evaluated: 2022-06-02. Review status: criteria provided, single submitter. Criteria: Invitae Variant Classification Sherloc (09022015). Collection method: clinical testing. Allele origin: germline.
Comment: This sequence change falls in intron 11 of the IFT52 gene. It does not directly change the encoded amino acid sequence of the IFT52 protein. It affects a nucleotide within the consensus splice site. This variant is present in population databases (rs372900176, gnomAD 0.02%). This variant has not been reported in the literature in individuals affected with IFT52-related conditions. Variants that disrupt the consensus splice site are a relatively common cause of aberrant splicing (PMID: 17576681, 9536098). Algorithms developed to predict the effect of sequence changes on RNA splicing suggest that this variant is not likely to affect RNA splicing. In summary, the available evidence is currently insufficient to determine the role of this variant in disease. Therefore, it has been classified as a Variant of Uncertain Significance.

Literature cited by the submitters: PubMed 17576681; PubMed 9536098.

NM_016004.5(IFT52):c.1012-3T>C

Gene: IFT52 (intraflagellar transport 52; plus strand). Cytogenetic location: 20q13.12.
Variant type: single nucleotide variant.
Coding change: c.1012-3T>C on transcript NM_016004.5 (MANE Select); 3 bases into the intron before coding-DNA position 1012, T replaced by C.
Molecular consequence: intron variant.
Genome position (GRCh38, 1-based): chr20:43,637,142, T>C. VCF-style: chr20-43637142-T-C. GRCh37 (hg19) VCF-style: chr20-42265782-T-C.
Other names: c.484-3T>C (NM_001323578.2, NM_001323580.2); c.361-3T>C (NM_001323579.2, NM_001323581.2); c.1012-3T>C (NM_001303458.3, NM_001303459.3).
Identifiers: ClinVar variation 2140996 (VCV002140996.1), dbSNP rs372900176, ClinGen allele CA9867082.
Genomic context (GRCh38, chr20:43,637,142, plus strand): 5'-GAGACTTTATTTCCTTTACCTTATCCTCCCTCATTTCTAAATAATGACTTTATTTCCTTT[T>C]AGGTTTTTCCTCCCAGTTTCCGGGAGTTACCACCTCCTCCTCTGGAGCTATTTGATTTAG-3'